The following is an entry in ClinVar:

NC_000019.9:g.(?_852326)_(856164_?)dup

Gene: ELANE (elastase, neutrophil expressed; plus strand). Cytogenetic location: 19p13.3.
Variant type: Duplication.
Identifiers: ClinVar variation 1022834 (VCV001022834.3).

ClinVar aggregate classification (germline): Uncertain significance (1 of 4 stars; one submission).

Conditions:
Cyclical neutropenia. Also called: Cyclic hematopoiesis; Cyclic Neutropenia. Identifiers: Orphanet 2686, MedGen C0221023, MONDO:0008090, OMIM 162800, HP:0040289. Disease mechanism: loss of function.
Neutropenia, severe congenital, 1, autosomal dominant. Identifiers: MedGen C1859966, MONDO:0042490, OMIM 202700.

Submission:

Labcorp Genetics (formerly Invitae), Labcorp
Classification: Uncertain significance for Neutropenia, severe congenital, 1, autosomal dominant; Cyclical neutropenia. Last evaluated: 2020-10-13. Review status: criteria provided, single submitter. Criteria: Invitae Variant Classification Sherloc (09022015). Collection method: clinical testing. Allele origin: germline.
Comment: This variant results in a copy number gain of the genomic region encompassing the full coding sequence of the ELANE gene. The boundaries of this event are unknown as they extend beyond the assayed region for this gene and therefore may encompass additional genes. As the precise location of this event is unknown, it may be in tandem or it may be located elsewhere in the genome. This variant has not been reported in the literature in individuals with ELANE-related conditions. In summary, the available evidence is currently insufficient to determine the role of this variant in disease. Therefore, it has been classified as a Variant of Uncertain Significance.